The following is an entry in ClinVar:

NM_002137.4(HNRNPA2B1):c.286C>T (p.His96Tyr)

Gene: HNRNPA2B1 (heterogeneous nuclear ribonucleoprotein A2/B1; minus strand). Cytogenetic location: 7p15.2.
Variant type: single nucleotide variant.
Coding change: c.286C>T on transcript NM_002137.4 (MANE Select); coding-DNA position 286, C replaced by T.
Protein change: p.His96Tyr; replaces histidine 96 with tyrosine.
Molecular consequence: missense variant.
Genome position (GRCh38, 1-based): chr7:26,196,996, G>A on the plus strand (C>T on the coding strand, the complement: HNRNPA2B1 is on the minus strand). VCF-style: chr7-26196996-G-A. GRCh37 (hg19) VCF-style: chr7-26236616-G-A.
Other names: c.286C>T, p.His96Tyr (NM_001438063.1, NM_001438571.1, NM_001438572.1 and 4 more transcripts); c.322C>T, p.His108Tyr (NM_001438568.1, NM_001438569.1, NM_001438570.1 and 3 more transcripts); short protein forms H108Y, H96Y.
Identifiers: ClinVar variation 4838732 (VCV004838732.1).

ClinVar aggregate classification (germline): Uncertain significance (1 of 4 stars; one submission).

Conditions:
Inborn genetic diseases. Identifiers: MedGen C0950123, MeSH D030342.

Submission:

Ambry Genetics
Classification: Uncertain significance for Inborn genetic diseases. Last evaluated: 2025-12-29. Review status: criteria provided, single submitter. Criteria: Ambry Variant Classification Scheme 2023. Collection method: clinical testing. Allele origin: germline.
Comment: The c.322C>T (p.H108Y) alteration is located in exon 5 (coding exon 5) of the HNRNPA2B1 gene. This alteration results from a C to T substitution at nucleotide position 322, causing the histidine (H) at amino acid position 108 to be replaced by a tyrosine (Y). This variant was not reported in population-based cohorts in the Genome Aggregation Database (gnomAD). This amino acid position is highly conserved in available vertebrate species. This alteration is predicted to be deleterious by in silico analysis. Based on insufficient or conflicting evidence, the clinical significance of this alteration remains unclear.